The following is an entry in ClinVar:

NM_005120.3(MED12):c.6491-58G>A

Gene: MED12 (mediator complex subunit 12; plus strand). Cytogenetic location: Xq13.1.
Variant type: single nucleotide variant.
Coding change: c.6491-58G>A on transcript NM_005120.3 (MANE Select); 58 bases into the intron before coding-DNA position 6491, G replaced by A.
Molecular consequence: intron variant.
Genome position (GRCh38, 1-based): chrX:71,142,117, G>A. VCF-style: chrX-71142117-G-A. GRCh37 (hg19) VCF-style: chrX-70361967-G-A.
Identifiers: ClinVar variation 673349 (VCV000673349.2), dbSNP rs36072155, ClinGen allele CA15054483.

ClinVar aggregate classification (germline): Benign. Review status: criteria provided, multiple submitters, no conflicts (2 of 4 stars). 2 submissions from 2 submitters: Benign (2). Last evaluated 2018-06-14.

Allele frequency attached by ClinVar (database versions not stated): 1000 Genomes Project 0.14940; 1000 Genomes Project 30x 0.15463; TOPMed 0.24507; gnomAD 0.25013 and 0.25638; ESP Exome Variant Server 0.28139.
gnomAD v4.1: 330,471 of 1,155,017 alleles (29%); highest among the groups gnomAD compares: Middle Eastern, 40%; 35,728 homozygotes.

Submissions (2):

GeneDx
Classification: Benign. Last evaluated: 2018-06-14. Review status: criteria provided, single submitter. Criteria: GeneDx Variant Classification (06012015). Collection method: clinical testing. Allele origin: germline. Affected: yes.
Comment: This variant is considered likely benign or benign based on one or more of the following criteria: it is a conservative change, it occurs at a poorly conserved position in the protein, it is predicted to be benign by multiple in silico algorithms, and/or has population frequency not consistent with disease.

Breakthrough Genomics
Classification: Benign. Review status: criteria provided, single submitter. Criteria: ACMG Guidelines, 2015. Collection method: not provided. Allele origin: germline. Inheritance: X-linked inheritance. Affected: yes.